The following is an entry in ClinVar:

ClinVar aggregate classification (germline): Uncertain significance (1 of 4 stars; one submission).

Allele frequency attached by ClinVar (database versions not stated): gnomAD exomes below 0.00001 and 0.00001; TOPMed 0.00001.
gnomAD v4.1: 1 of 1,614,212 alleles (0.000062%); highest among the groups gnomAD compares: South Asian, 0.0011%; no homozygotes.

Submission:

GeneDx
Classification: Uncertain significance. Last evaluated: 2021-06-21. Review status: criteria provided, single submitter. Criteria: GeneDx Variant Classification Process June 2021. Collection method: clinical testing. Allele origin: germline. Affected: yes.
Comment: Has not been previously published as pathogenic or benign to our knowledge; Not observed at significant frequency in large population cohorts (Lek et al., 2016); In silico analysis supports that this missense variant has a deleterious effect on protein structure/function; This variant is associated with the following publications: (PMID: 27535533)

NM_000393.5(COL5A2):c.1892A>G (p.Glu631Gly)

Gene: COL5A2 (collagen type V alpha 2 chain; minus strand). Cytogenetic location: 2q32.2.
Variant type: single nucleotide variant.
Coding change: c.1892A>G on transcript NM_000393.5 (MANE Select); coding-DNA position 1892, A replaced by G.
Protein change: p.Glu631Gly; replaces glutamic acid 631 with glycine.
Molecular consequence: missense variant.
Genome position (GRCh38, 1-based): chr2:189,063,041, T>C on the plus strand (A>G on the coding strand, the complement: COL5A2 is on the minus strand). VCF-style: chr2-189063041-T-C. GRCh37 (hg19) VCF-style: chr2-189927767-T-C.
Other names: short protein forms E631G.
Identifiers: ClinVar variation 1178709 (VCV001178709.2), dbSNP rs918877773, ClinGen allele CA62601165.